The following is an entry in ClinVar:

ClinVar aggregate classification (germline): Uncertain significance (1 of 4 stars; one submission).

Submission:

Labcorp Genetics (formerly Invitae), Labcorp
Classification: Uncertain significance. Last evaluated: 2025-10-01. Review status: criteria provided, single submitter. Criteria: Invitae Variant Classification Sherloc (09022015). Collection method: clinical testing. Allele origin: germline.
Comment: This sequence change replaces tyrosine, which is neutral and polar, with cysteine, which is neutral and slightly polar, at codon 455 of the DEAF1 protein (p.Tyr455Cys). This variant is not present in population databases (gnomAD no frequency). This variant has not been reported in the literature in individuals affected with DEAF1-related conditions. Invitae Evidence Modeling of protein sequence and biophysical properties (such as structural, functional, and spatial information, amino acid conservation, physicochemical variation, residue mobility, and thermodynamic stability) indicates that this missense variant is expected to disrupt DEAF1 protein function with a positive predictive value of 80%. In summary, the available evidence is currently insufficient to determine the role of this variant in disease. Therefore, it has been classified as a Variant of Uncertain Significance.

NM_021008.4(DEAF1):c.1364A>G (p.Tyr455Cys)

Genes: DEAF1 (DEAF1 transcription factor; minus strand), LOC126861109 (BRD4-independent group 4 enhancer GRCh37_chr11:673917-675116; plus strand). Cytogenetic location: 11p15.5.
Variant type: single nucleotide variant.
Coding change: c.1364A>G on transcript NM_021008.4 (MANE Select); coding-DNA position 1364, A replaced by G.
Protein change: p.Tyr455Cys; replaces tyrosine 455 with cysteine.
Molecular consequence: missense variant.
Genome position (GRCh38, 1-based): chr11:674,675, T>C on the plus strand (A>G on the coding strand, the complement: DEAF1 is on the minus strand). VCF-style: chr11-674675-T-C. GRCh37 (hg19) VCF-style: chr11-674675-T-C.
Other names: c.1097A>G, p.Tyr366Cys (NM_001293634.2); c.638A>G, p.Tyr213Cys (NM_001367390.1, NM_001440885.1, NM_001440886.1 and 1 more transcripts); c.1364A>G, p.Tyr455Cys (NM_001440883.1); c.1235A>G, p.Tyr412Cys (NM_001440884.1); short protein forms Y412C, Y455C, Y366C, Y213C.
Identifiers: ClinVar variation 4746217 (VCV004746217.1).
Genomic context (GRCh38, chr11:674,675, plus strand): 5'-TCAAACAGCGTCTTCAGCTGCTGCGCTGTGTTGAGCAAGGAGTTGACCATCTCTTCTAGG[T>C]ACAGCCAGCTCCGCGGCTCTGACAGCTCCAGCCCATTGACCAACGCGGGAGGTGCCGCTT-3'
Protein context (NP_066288.2, residues 445-465): LELSEPRSWL[Tyr455Cys]LEEMVNSLLN